The following is an entry in ClinVar:

ClinVar aggregate classification (germline): Benign/Likely benign. Review status: criteria provided, multiple submitters, no conflicts (2 of 4 stars). 4 submissions from 4 submitters: Benign (1); Likely benign (3). Last evaluated 2025-12-02.

Conditions:
Hereditary leiomyomatosis and renal cell cancer. Also called: Familial leiomyomatosis; LEIOMYOMA, MULTIPLE CUTANEOUS; Reed syndrome; Multiple cutaneous and uterine leiomyomatosis; Cutaneous leiomyomata with uterine leiomyomata; Leiomyoma, hereditary multiple, of skin. Identifiers: Orphanet 523, MedGen C1708350, MONDO:0007888, OMIM 150800, HP:0007437. Disease mechanism: loss of function.
Hereditary cancer-predisposing syndrome. Also called: Neoplastic Syndromes, Hereditary; Hereditary neoplastic syndrome; Hereditary Cancer Syndrome; Tumor predisposition. Identifiers: Orphanet 140162, MedGen C0027672, MeSH D009386, MONDO:0015356.

Submissions (4):

Labcorp Genetics (formerly Invitae), Labcorp
Classification: Likely benign. Last evaluated: 2025-12-02. Review status: criteria provided, single submitter. Criteria: Invitae Variant Classification Sherloc (09022015). Collection method: clinical testing. Allele origin: germline.

Myriad Genetics, Inc.
Classification: Benign for Hereditary leiomyomatosis and renal cell cancer. Last evaluated: 2024-10-17. Review status: criteria provided, single submitter. Criteria: Myriad Autosomal Dominant, Autosomal Recessive and X-Linked Classification Criteria (2023). Collection method: clinical testing. Allele origin: unknown.
Comment: This variant is considered benign. This variant is a silent/synonymous amino acid change and it is not expected to impact splicing.

Ambry Genetics
Classification: Likely benign for Hereditary cancer-predisposing syndrome. Last evaluated: 2022-04-22. Review status: criteria provided, single submitter. Criteria: Ambry Variant Classification Scheme 2023. Collection method: clinical testing. Allele origin: germline.

Blueprint Genetics
Classification: Likely benign. Last evaluated: 2021-09-16. Review status: criteria provided, single submitter. Criteria: ACMG Guidelines, 2015. Collection method: clinical testing. Allele origin: germline.

NM_000143.4(FH):c.117G>T (p.Pro39=)

Gene: FH (fumarate hydratase; minus strand). Cytogenetic location: 1q43.
Variant type: single nucleotide variant.
Coding change: c.117G>T on transcript NM_000143.4 (MANE Select); coding-DNA position 117, G replaced by T.
Protein change: p.Pro39=; no amino-acid change (proline 39 retained).
Molecular consequence: synonymous variant.
Genome position (GRCh38, 1-based): chr1:241,519,606, C>A on the plus strand (G>T on the coding strand, the complement: FH is on the minus strand). VCF-style: chr1-241519606-C-A. GRCh37 (hg19) VCF-style: chr1-241682906-C-A.
Identifiers: ClinVar variation 701802 (VCV000701802.15), dbSNP rs1291665514, ClinGen allele CA424076711.